The following is an entry in ClinVar:

ClinVar aggregate classification (germline): Uncertain significance (0 of 4 stars; one submission).

Conditions:
BAZ2B-related disorder. Also called: BAZ2B-related condition.

Submission:

PreventionGenetics, part of Exact Sciences
Classification: Uncertain significance for BAZ2B-related condition. Last evaluated: 2024-06-15. Review status: no assertion criteria provided. Collection method: clinical testing. Allele origin: germline.
Comment: The BAZ2B c.5417A>C variant is predicted to result in the amino acid substitution p.Lys1806Thr. To our knowledge, this variant has not been reported in the literature or in a large population database, indicating this variant is rare. At this time, the clinical significance of this variant is uncertain due to the absence of conclusive functional and genetic evidence.

NM_013450.4(BAZ2B):c.5525A>C (p.Lys1842Thr)

Gene: BAZ2B (bromodomain adjacent to zinc finger domain 2B; minus strand). Cytogenetic location: 2q24.2.
Variant type: single nucleotide variant.
Coding change: c.5525A>C on transcript NM_013450.4 (MANE Select); coding-DNA position 5525, A replaced by C.
Protein change: p.Lys1842Thr; replaces lysine 1842 with threonine.
Molecular consequence: missense variant.
Genome position (GRCh38, 1-based): chr2:159,337,702, T>G on the plus strand (A>C on the coding strand, the complement: BAZ2B is on the minus strand). VCF-style: chr2-159337702-T-G. GRCh37 (hg19) VCF-style: chr2-160194213-T-G.
Other names: c.5417A>C, p.Lys1806Thr (NM_001289975.1); c.5363A>C, p.Lys1788Thr (NM_001329857.2); c.5450A>C, p.Lys1817Thr (NM_001329858.2); short protein forms K1788T, K1806T, K1817T, K1842T.
Identifiers: ClinVar variation 3347367 (VCV003347367.1).